The following is an entry in ClinVar:

ClinVar aggregate classification (germline): Uncertain significance. Review status: criteria provided, single submitter (1 of 4 stars). 2 submissions from 2 submitters: Uncertain significance (1). 1 of the submissions does not count toward it. Last evaluated 2025-08-22.

Conditions:
SEMA3D-related disorder. Also called: SEMA3D-related condition.

gnomAD v4.1: 1 of 1,613,182 alleles (0.000062%); highest among the groups gnomAD compares: Admixed American, 0.0017%; no homozygotes.

Submissions (2):

Ambry Genetics
Classification: Uncertain significance. Last evaluated: 2025-08-22. Review status: criteria provided, single submitter. Criteria: Ambry Variant Classification Scheme 2023. Collection method: clinical testing. Allele origin: germline.

PreventionGenetics, part of Exact Sciences
Classification: Uncertain significance for SEMA3D-related condition. Last evaluated: 2024-09-03. Review status: no assertion criteria provided. Collection method: clinical testing. Allele origin: germline. Not counted in ClinVar's aggregate classification.
Comment: The SEMA3D c.902C>T variant is predicted to result in the amino acid substitution p.Thr301Met. To our knowledge, this variant has not been reported in the literature. This variant is reported in 0.0029% of alleles in individuals of Latino descent in gnomAD. At this time, the clinical significance of this variant is uncertain due to the absence of conclusive functional and genetic evidence.

NM_001384900.1(SEMA3D):c.902C>T (p.Thr301Met)

Gene: SEMA3D (semaphorin 3D; minus strand). Cytogenetic location: 7q21.11.
Variant type: single nucleotide variant.
Coding change: c.902C>T on transcript NM_001384900.1 (MANE Select); coding-DNA position 902, C replaced by T.
Protein change: p.Thr301Met; replaces threonine 301 with methionine.
Molecular consequence: missense variant.
Genome position (GRCh38, 1-based): chr7:85,042,245, G>A on the plus strand (C>T on the coding strand, the complement: SEMA3D is on the minus strand). VCF-style: chr7-85042245-G-A. GRCh37 (hg19) VCF-style: chr7-84671561-G-A.
Other names: c.902C>T, p.Thr301Met (NM_001384901.1, NM_001384902.1, NM_001384903.1 and 1 more transcripts); short protein forms T301M.
Identifiers: ClinVar variation 3353365 (VCV003353365.2).
Genomic context (GRCh38, chr7:85,042,245, plus strand): 5'-TAAGTATCTGCCCCATCACTTCCAGGAATTGAGCAAATCAGTCTGGCCTTAAGAAAAGTC[G>A]TCCACTTGTTTATCAGGCTGCGTTGTCCTCCTACATCATTCTGACATGAAAAAAAAAATA-3'
Protein context (NP_001371829.1, residues 291-311): GGQRSLINKW[Thr301Met]TFLKARLICS